The following is an entry in ClinVar:

NM_001142800.2(EYS):c.910dup (p.Trp304fs)

Gene: EYS (EGF-like photoreceptor maintenance factor; minus strand). Cytogenetic location: 6q12.
Variant type: Duplication.
Coding change: c.910dup on transcript NM_001142800.2 (MANE Select); coding-DNA position 910, one base duplicated (T; older notation c.910dupT).
Protein change: p.Trp304fs; shifts the reading frame from tryptophan 304.
Molecular consequence: frameshift variant.
Genome position (GRCh38, 1-based): chr6:65,405,320, A duplicated on the plus strand (T on the coding strand, the reverse complement: EYS is on the minus strand); the first of 6 consecutive A bases (chr6:65,405,320-65,405,325); duplicating any one gives the same sequence. VCF-style (leftmost placement, unchanged base first): chr6-65405319-C-CA. GRCh37 (hg19) VCF-style: chr6-66115212-C-CA.
Other names: c.910dup, p.Trp304fs (NM_001142801.2, NM_001292009.2, NM_198283.2); c.910dupT (NM_001142800.1); short protein forms W304fs.
Identifiers: ClinVar variation 942205 (VCV000942205.13), dbSNP rs34676630, ClinGen allele CA1139659655.

ClinVar aggregate classification (germline): Pathogenic. Review status: criteria provided, multiple submitters, no conflicts (2 of 4 stars). 5 submissions from 5 submitters: Pathogenic (4). 1 of the submissions does not count toward it. Last evaluated 2024-07-12.

Conditions:
Retinitis pigmentosa 25 (RP25). Identifiers: Orphanet 791, MedGen C1864446, MONDO:0011272, OMIM 602772.
Autosomal recessive retinitis pigmentosa. Identifiers: MedGen C0339526.

Submissions (5):

Natera, Inc.
Classification: Pathogenic for Retinitis pigmentosa type 25. Last evaluated: 2024-07-12. Review status: criteria provided, single submitter. Criteria: Natera Variant Classification Schema (03/2026). Collection method: clinical testing. Allele origin: germline.
Comment: The c.910dupT variant in EYS is a frameshift variant predicted to shift the reading frame beginning at codon 304 and leads to a stop codon 9 codons downstream. This variant is expected to result in nonsense mediated decay, truncation, or a dysfunctional protein product. This variant is rare in the general population with a frequency below the threshold expected for the associated phenotype(s). This variant has been observed in one or more individuals affected with the associated recessive disease, as either homozygous or compound heterozygous with a second variant (PMID: 28419563). Additionally, this variant has been observed to segregate in affected family members (PMID: 28419563). Given the available evidence, this variant is classified as Pathogenic.

Myriad Genetics, Inc.
Classification: Pathogenic for Retinitis pigmentosa 25. Last evaluated: 2024-05-06. Review status: criteria provided, single submitter. Criteria: Myriad Autosomal Dominant, Autosomal Recessive and X-Linked Classification Criteria (2023). Collection method: clinical testing. Allele origin: unknown.
Comment: NM_001142800.1(EYS):c.910dupT(W304Lfs*9) is expected to be pathogenic in the context of retinitis pigmentosa, EYS-related. This variant is predicted to lead to an abnormal or absent protein product due to the creation of a premature termination codon in EYS, a gene where loss-of-function variants are known to be pathogenic. Please note: this variant was assessed in the context of healthy population screening.

Baylor Genetics
Classification: Pathogenic for Retinitis pigmentosa 25. Last evaluated: 2024-02-07. Review status: criteria provided, single submitter. Criteria: ACMG Guidelines, 2015. Collection method: clinical testing. Allele origin: unknown.

Labcorp Genetics (formerly Invitae), Labcorp
Classification: Pathogenic. Last evaluated: 2023-08-04. Review status: criteria provided, single submitter. Criteria: Invitae Variant Classification Sherloc (09022015). Collection method: clinical testing. Allele origin: germline.
Comment: This premature translational stop signal has been observed in individual(s) with retinitis pigmentosa (PMID: 28419563). It has also been observed to segregate with disease in related individuals. ClinVar contains an entry for this variant (Variation ID: 942205). For these reasons, this variant has been classified as Pathogenic. This variant is not present in population databases (gnomAD no frequency). This sequence change creates a premature translational stop signal (p.Trp304Leufs*9) in the EYS gene. It is expected to result in an absent or disrupted protein product. Loss-of-function variants in EYS are known to be pathogenic (PMID: 18836446, 20333770).

Faculty of Health Sciences, Beirut Arab University
Classification: Pathogenic for Autosomal recessive Retinitis Pigmentosa. Last evaluated: 2018-04-16. Review status: no assertion criteria provided. Collection method: literature only. Allele origin: germline. Affected: yes. Observed: 12 variant alleles. Not counted in ClinVar's aggregate classification.

Literature cited by the submitters: PubMed 28419563 (cited by 3 submitters); PubMed 18836446 (cited by Labcorp Genetics (formerly Invitae), Labcorp); PubMed 20333770 (cited by Labcorp Genetics (formerly Invitae), Labcorp).